The following is an entry in ClinVar:

ClinVar aggregate classification (germline): Uncertain significance (1 of 4 stars; one submission).

Conditions:
Familial hypokalemia-hypomagnesemia (GTLMNS). Also called: POTASSIUM AND MAGNESIUM DEPLETION; HYPOMAGNESEMIA-HYPOKALEMIA, PRIMARY RENOTUBULAR, WITH HYPOCALCIURIA; gitelman syndrome. Identifiers: Orphanet 358, MedGen C0268450, MONDO:0009904, OMIM 263800.

gnomAD v4.1: 23 of 1,612,010 alleles (0.0014%); highest among the groups gnomAD compares: Admixed American, 0.0033%; no homozygotes.

Submission:

Juno Genomics, Hangzhou Juno Genomics, Inc
Classification: Uncertain significance for Familial hypokalemia-hypomagnesemia. Review status: criteria provided, single submitter. Criteria: ACMG Guidelines, 2015. Collection method: clinical testing. Allele origin: germline.
Comment: Absent from controls (or at extremely low frequency if recessive) in Genome Aggregation Database.;Multiple lines of computational evidence support a deleterious effect on the gene or gene product.

NM_001126108.2(SLC12A3):c.2419+23C>T

Gene: SLC12A3 (solute carrier family 12 member 3; plus strand). Cytogenetic location: 16q13.
Variant type: single nucleotide variant.
Coding change: c.2419+23C>T on transcript NM_001126108.2 (MANE Select); 23 bases into the intron after coding-DNA position 2419, C replaced by T.
Molecular consequence: intron variant. On other transcripts: synonymous variant (2).
Genome position (GRCh38, 1-based): chr16:56,892,156, C>T. VCF-style: chr16-56892156-C-T. GRCh37 (hg19) VCF-style: chr16-56926068-C-T.
Other names: c.2442C>T, p.Gly814= (NM_000339.3); c.2439C>T, p.Gly813= (NM_001126107.2); c.2416+23C>T (NM_001410896.1).
Identifiers: ClinVar variation 5005606 (VCV005005606.2).